The following is an entry in ClinVar:

ClinVar aggregate classification (germline): Uncertain significance (1 of 4 stars; one submission).

Conditions:
Epidermolysis bullosa simplex 5B, with muscular dystrophy (EBS5B). Also called: EPIDERMOLYSIS BULLOSA SIMPLEX AND LIMB-GIRDLE MUSCULAR DYSTROPHY; Epidermolysis bullosa simplex with muscular dystrophy. Identifiers: Orphanet 257, MedGen C2931072, MONDO:0009181, OMIM 226670.
Epidermolysis bullosa simplex, Ogna type (EBS5A). Also called: EPIDERMOLYSIS BULLOSA SIMPLEX 5A, OGNA TYPE; Pidermolysis bullosa simplex 5A, Ogna type. Identifiers: Orphanet 79401, MedGen C0432317, MONDO:0007555, OMIM 131950.
Epidermolysis bullosa simplex 5C, with pyloric atresia (EBS5C). Also called: PLEC-Related Epidermolysis Bullosa with Pyloric Atresia; Epidermolysis bullosa simplex with pyloric atresia; PLEC1-Related Epidermolysis Bullosa with Pyloric Atresia. Identifiers: Orphanet 158684, MedGen C2677349, MONDO:0012807, OMIM 612138.
Autosomal recessive limb-girdle muscular dystrophy type 2Q (LGMDR17). Also called: MUSCULAR DYSTROPHY, LIMB-GIRDLE, AUTOSOMAL RECESSIVE 17. Identifiers: Orphanet 254361, MedGen C3150989, MONDO:0013390, OMIM 613723.
Epidermolysis bullosa simplex with nail dystrophy (EBS5D). Identifiers: MedGen C4225309, MONDO:0014661, OMIM 616487.

Allele frequency attached by ClinVar (database versions not stated): gnomAD exomes 0.00001; gnomAD 0.00003.

Submission:

Labcorp Genetics (formerly Invitae), Labcorp
Classification: Uncertain significance for Autosomal recessive limb-girdle muscular dystrophy type 2Q; Epidermolysis bullosa simplex, Ogna type; Epidermolysis bullosa simplex with nail dystrophy; Epidermolysis bullosa simplex 5C, with pyloric atresia; Epidermolysis bullosa simplex 5B, with muscular dystrophy. Last evaluated: 2024-06-25. Review status: criteria provided, single submitter. Criteria: Invitae Variant Classification Sherloc (09022015). Collection method: clinical testing. Allele origin: germline.
Comment: This sequence change replaces alanine, which is neutral and non-polar, with valine, which is neutral and non-polar, at codon 1728 of the PLEC protein (p.Ala1728Val). The frequency data for this variant in the population databases is considered unreliable, as metrics indicate poor data quality at this position in the gnomAD database. This variant has not been reported in the literature in individuals affected with PLEC-related conditions. ClinVar contains an entry for this variant (Variation ID: 1991844). Experimental studies and prediction algorithms are not available or were not evaluated, and the functional significance of this variant is currently unknown. In summary, the available evidence is currently insufficient to determine the role of this variant in disease. Therefore, it has been classified as a Variant of Uncertain Significance.

NM_201384.3(PLEC):c.5102C>T (p.Ala1701Val)

Gene: PLEC (plectin; minus strand). Cytogenetic location: 8q24.3.
Variant type: single nucleotide variant.
Coding change: c.5102C>T on transcript NM_201384.3 (MANE Select); coding-DNA position 5102, C replaced by T.
Protein change: p.Ala1701Val; replaces alanine 1701 with valine.
Molecular consequence: missense variant.
Genome position (GRCh38, 1-based): chr8:143,924,827, G>A on the plus strand (C>T on the coding strand, the complement: PLEC is on the minus strand). VCF-style: chr8-143924827-G-A. GRCh37 (hg19) VCF-style: chr8-144998995-G-A.
Other names: c.5183C>T, p.Ala1728Val (NM_000445.5); c.5060C>T, p.Ala1687Val (NM_201378.4); c.5036C>T, p.Ala1679Val (NM_201379.3); c.5513C>T, p.Ala1838Val (NM_201380.4); c.5006C>T, p.Ala1669Val (NM_201381.3); c.5102C>T, p.Ala1701Val (NM_201382.4); c.5114C>T, p.Ala1705Val (NM_201383.3); short protein forms A1669V, A1687V, A1701V, A1679V, A1705V, A1728V, A1838V.
Identifiers: ClinVar variation 1991844 (VCV001991844.4), dbSNP rs782656542, ClinGen allele CA4926433.
Genomic context (GRCh38, chr8:143,924,827, plus strand): 5'-TCGGCCCGCAGCCGGATCAACTCCTGCTCCGCGGCCAGGCGCTGCTGCGCGGTGCCTTCC[G>A]CCAGCTGCCGCTGCTTCTCCAGCTCTTGTTCAGCCAGCTCCCGCTGCCGGACGGCCTGCT-3'
Protein context (NP_958786.1, residues 1691-1711): EQELEKQRQL[Ala1701Val]EGTAQQRLAA